The following is an entry in ClinVar:

ClinVar aggregate classification (germline): Uncertain significance. Review status: criteria provided, multiple submitters, no conflicts (2 of 4 stars). 2 submissions from 2 submitters: Uncertain significance (2). Last evaluated 2025-02-11.

Conditions:
Inborn genetic diseases. Identifiers: MedGen C0950123, MeSH D030342.
Norman-Roberts syndrome (LIS2). Also called: Lissencephaly 2 (Norman-Roberts type). Identifiers: Orphanet 89844, MedGen C0796089, MONDO:0009760, OMIM 257320.
Familial temporal lobe epilepsy 7. Identifiers: Orphanet 101046, MedGen C4225327, MONDO:0014639, OMIM 616436.

Allele frequency attached by ClinVar (database versions not stated): gnomAD exomes below 0.00001; TOPMed 0.00001.
gnomAD v4.1: 10 of 1,614,116 alleles (0.00062%); highest among the groups gnomAD compares: Middle Eastern, 0.066%; no homozygotes.

Submissions (2):

Ambry Genetics
Classification: Uncertain significance for Inborn genetic diseases. Last evaluated: 2025-02-11. Review status: criteria provided, single submitter. Criteria: Ambry Variant Classification Scheme 2023. Collection method: clinical testing. Allele origin: germline.

Labcorp Genetics (formerly Invitae), Labcorp
Classification: Uncertain significance for Familial temporal lobe epilepsy 7; Norman-Roberts syndrome. Last evaluated: 2024-12-02. Review status: criteria provided, single submitter. Criteria: Invitae Variant Classification Sherloc (09022015). Collection method: clinical testing. Allele origin: germline.
Comment: This sequence change replaces aspartic acid, which is acidic and polar, with glutamic acid, which is acidic and polar, at codon 1421 of the RELN protein (p.Asp1421Glu). This variant is present in population databases (no rsID available, gnomAD 0.0009%). This variant has not been reported in the literature in individuals affected with RELN-related conditions. ClinVar contains an entry for this variant (Variation ID: 653441). Invitae Evidence Modeling of protein sequence and biophysical properties (such as structural, functional, and spatial information, amino acid conservation, physicochemical variation, residue mobility, and thermodynamic stability) indicates that this missense variant is not expected to disrupt RELN protein function with a negative predictive value of 80%. In summary, the available evidence is currently insufficient to determine the role of this variant in disease. Therefore, it has been classified as a Variant of Uncertain Significance.

NM_005045.4(RELN):c.4263C>A (p.Asp1421Glu)

Gene: RELN (reelin; minus strand). Cytogenetic location: 7q22.1.
Variant type: single nucleotide variant.
Coding change: c.4263C>A on transcript NM_005045.4 (MANE Select); coding-DNA position 4263, C replaced by A.
Protein change: p.Asp1421Glu; replaces aspartic acid 1421 with glutamic acid.
Molecular consequence: missense variant.
Genome position (GRCh38, 1-based): chr7:103,575,588, G>T on the plus strand (C>A on the coding strand, the complement: RELN is on the minus strand). VCF-style: chr7-103575588-G-T. GRCh37 (hg19) VCF-style: chr7-103216035-G-T.
Other names: c.4263C>A, p.Asp1421Glu (NM_173054.3); short protein forms D1421E.
Identifiers: ClinVar variation 653441 (VCV000653441.9), dbSNP rs1235295586, ClinGen allele CA368752154.